The following is an entry in ClinVar:

ClinVar aggregate classification (germline): Likely benign. Review status: criteria provided, multiple submitters, no conflicts (2 of 4 stars). 3 submissions from 3 submitters: Likely benign (2). 1 of the submissions does not count toward it. Last evaluated 2024-11-04.

Conditions:
Autosomal dominant hypocalcemia 1 (HYPOC1). Also called: HYPOCALCEMIA, FAMILIAL. Identifiers: MedGen C3715128, MONDO:0011013, OMIM 601198.
Familial hypocalciuric hypercalcemia (FHH). Also called: Familial benign hypercalcemia. Identifiers: Orphanet 405, MedGen C1809471, MONDO:0018458.
CASR-related disorder. Also called: CASR-related condition.
Nephrolithiasis/nephrocalcinosis. Identifiers: MedGen CN580796.

Allele frequency attached by ClinVar (database versions not stated): TOPMed below 0.00001; gnomAD 0.00001; gnomAD exomes 0.00001; ExAC 0.00002.
gnomAD v4.1: 16 of 1,614,084 alleles (0.00099%); highest among the groups gnomAD compares: South Asian, 0.012%; no homozygotes.

Submissions (3):

Labcorp Genetics (formerly Invitae), Labcorp
Classification: Likely benign for Familial hypocalciuric hypercalcemia; Autosomal dominant hypocalcemia 1. Last evaluated: 2024-11-04. Review status: criteria provided, single submitter. Criteria: Invitae Variant Classification Sherloc (09022015). Collection method: clinical testing. Allele origin: germline.

Ambry Genetics
Classification: Likely benign for Nephrolithiasis/nephrocalcinosis. Last evaluated: 2019-05-10. Review status: criteria provided, single submitter. Criteria: Ambry Variant Classification Scheme 2023. Collection method: clinical testing. Allele origin: germline.

PreventionGenetics, part of Exact Sciences
Classification: Likely benign for CASR-related condition. Last evaluated: 2024-05-01. Review status: no assertion criteria provided. Collection method: clinical testing. Allele origin: germline. Not counted in ClinVar's aggregate classification.
Comment: This variant is classified as likely benign based on ACMG/AMP sequence variant interpretation guidelines (Richards et al. 2015 PMID: 25741868, with internal and published modifications).

NM_000388.4(CASR):c.2934C>T (p.Ser978=)

Gene: CASR (calcium sensing receptor; plus strand). Cytogenetic location: 3q21.1.
Variant type: single nucleotide variant.
Coding change: c.2934C>T on transcript NM_000388.4 (MANE Select); coding-DNA position 2934, C replaced by T.
Protein change: p.Ser978=; no amino-acid change (serine 978 retained).
Molecular consequence: synonymous variant.
Genome position (GRCh38, 1-based): chr3:122,284,888, C>T. VCF-style: chr3-122284888-C-T. GRCh37 (hg19) VCF-style: chr3-122003735-C-T.
Other names: c.2964C>T, p.Ser988= (NM_001178065.2); c.2964C>T (NM_001178065.1).
Identifiers: ClinVar variation 1119354 (VCV001119354.12), dbSNP rs773041784, ClinGen allele CA2569894.